The following is an entry in ClinVar:

ClinVar aggregate classification (germline): Uncertain significance. Review status: criteria provided, multiple submitters, no conflicts (2 of 4 stars). 2 submissions from 2 submitters: Uncertain significance (2). Last evaluated 2024-03-19.

Allele frequency attached by ClinVar (database versions not stated): gnomAD exomes below 0.00001.
gnomAD v4.1: 1 of 1,614,058 alleles (0.000062%); highest among the groups gnomAD compares: Non-Finnish European, 0.000085%; no homozygotes.

Submissions (2):

Labcorp Genetics (formerly Invitae), Labcorp
Classification: Uncertain significance. Last evaluated: 2024-03-19. Review status: criteria provided, single submitter. Criteria: Invitae Variant Classification Sherloc (09022015). Collection method: clinical testing. Allele origin: germline.
Comment: This sequence change replaces serine, which is neutral and polar, with glycine, which is neutral and non-polar, at codon 120 of the DNAJC17 protein (p.Ser120Gly). This variant is not present in population databases (gnomAD no frequency). This variant has not been reported in the literature in individuals affected with DNAJC17-related conditions. An algorithm developed to predict the effect of missense changes on protein structure and function (PolyPhen-2) suggests that this variant is likely to be tolerated. In summary, the available evidence is currently insufficient to determine the role of this variant in disease. Therefore, it has been classified as a Variant of Uncertain Significance.

Ambry Genetics
Classification: Uncertain significance. Last evaluated: 2024-01-08. Review status: criteria provided, single submitter. Criteria: Ambry Variant Classification Scheme 2023. Collection method: clinical testing. Allele origin: germline.

NM_018163.3(DNAJC17):c.358A>G (p.Ser120Gly)

Gene: DNAJC17 (DnaJ heat shock protein family (Hsp40) member C17; minus strand). Cytogenetic location: 15q15.1.
Variant type: single nucleotide variant.
Coding change: c.358A>G on transcript NM_018163.3 (MANE Select); coding-DNA position 358, A replaced by G.
Protein change: p.Ser120Gly; replaces serine 120 with glycine.
Molecular consequence: missense variant.
Genome position (GRCh38, 1-based): chr15:40,776,565, T>C on the plus strand (A>G on the coding strand, the complement: DNAJC17 is on the minus strand). VCF-style: chr15-40776565-T-C. GRCh37 (hg19) VCF-style: chr15-41068763-T-C.
Other names: short protein forms S120G.
Identifiers: ClinVar variation 3084519 (VCV003084519.3), dbSNP rs1889329625, ClinGen allele CA391765345.